The following is an entry in ClinVar:

NM_003001.5(SDHC):c.*42A>G

Gene: SDHC (succinate dehydrogenase complex subunit C; plus strand). Cytogenetic location: 1q23.3.
Variant type: single nucleotide variant.
Coding change: c.*42A>G on transcript NM_003001.5 (MANE Select); 42 bases downstream of the stop codon, A replaced by G.
Molecular consequence: 3 prime UTR variant. On other transcripts: missense variant (3), non-coding transcript variant (1).
Genome position (GRCh38, 1-based): chr1:161,362,475, A>G. VCF-style: chr1-161362475-A-G. GRCh37 (hg19) VCF-style: chr1-161332265-A-G.
Other names: c.388A>G, p.Ile130Val (NM_001035511.3); c.*42A>G (NM_001035512.3, NM_001035513.3, NM_001407115.1 and 5 more transcripts); c.286A>G, p.Ile96Val (NM_001278172.3); c.331A>G, p.Ile111Val (NM_001407121.1); short protein forms I111V, I130V, I96V.
Identifiers: ClinVar variation 5029306 (VCV005029306.1).
Genomic context (GRCh38, chr1:161,362,475, plus strand): 5'-GGGGCTGGCAGCCATGTGAAGAAAGGAGGCTCCCAGCATCATCTTCCTACACATTATTAC[A>G]TTCACCCATCTTTCTGTTTGTCATTCTTATCTCCAGCCTGGGAAAAGTTCTCCTTATTTG-3'

ClinVar aggregate classification (germline): Uncertain significance (1 of 4 stars; one submission).

Conditions:
Hereditary cancer-predisposing syndrome. Also called: Neoplastic Syndromes, Hereditary; Tumor predisposition; Hereditary neoplastic syndrome; Hereditary Cancer Syndrome. Identifiers: Orphanet 140162, MedGen C0027672, MeSH D009386, MONDO:0015356.

Submission:

Ambry Genetics
Classification: Uncertain significance for Hereditary cancer-predisposing syndrome. Last evaluated: 2026-07-06. Review status: criteria provided, single submitter. Criteria: Ambry Variant Classification Scheme 2023. Collection method: clinical testing. Allele origin: germline.
Comment: The p.I130V variant (also known as c.388A>G), located in coding exon 5 of the SDHC gene, results from an A to G substitution at nucleotide position 388. The isoleucine at codon 130 is replaced by valine, an amino acid with highly similar properties. This amino acid position is conserved. In addition, this alteration is predicted to be tolerated by in silico analysis. Based on the available evidence, the clinical significance of this variant remains unclear.